The following is an entry in ClinVar:

NM_021927.3(GUF1):c.1477G>A (p.Glu493Lys)

Gene: GUF1 (GTP binding elongation factor GUF1; plus strand). Cytogenetic location: 4p12.
Variant type: single nucleotide variant.
Coding change: c.1477G>A on transcript NM_021927.3 (MANE Select); coding-DNA position 1477, G replaced by A.
Protein change: p.Glu493Lys; replaces glutamic acid 493 with lysine.
Molecular consequence: missense variant.
Genome position (GRCh38, 1-based): chr4:44,690,858, G>A. VCF-style: chr4-44690858-G-A. GRCh37 (hg19) VCF-style: chr4-44692875-G-A.
Other names: c.505G>A, p.Glu169Lys (NM_001345867.2, NM_001345869.2); c.1477G>A, p.Glu493Lys (NM_001345868.2); short protein forms E493K, E169K.
Identifiers: ClinVar variation 2906129 (VCV002906129.3), dbSNP rs759173665, ClinGen allele CA2905647.

ClinVar aggregate classification (germline): Uncertain significance (1 of 4 stars; one submission).

Allele frequency attached by ClinVar (database versions not stated): ExAC 0.00001; TOPMed 0.00001; gnomAD exomes 0.00002; gnomAD 0.00003.
gnomAD v4.1: 38 of 1,595,830 alleles (0.0024%); highest among the groups gnomAD compares: African/African-American, 0.004%; no homozygotes.

Submission:

Labcorp Genetics (formerly Invitae), Labcorp
Classification: Uncertain significance. Last evaluated: 2024-04-02. Review status: criteria provided, single submitter. Criteria: Invitae Variant Classification Sherloc (09022015). Collection method: clinical testing. Allele origin: germline.
Comment: This sequence change replaces glutamic acid, which is acidic and polar, with lysine, which is basic and polar, at codon 493 of the GUF1 protein (p.Glu493Lys). This variant is present in population databases (rs759173665, gnomAD 0.004%). This variant has not been reported in the literature in individuals affected with GUF1-related conditions. An algorithm developed to predict the effect of missense changes on protein structure and function (PolyPhen-2) suggests that this variant is likely to be tolerated. In summary, the available evidence is currently insufficient to determine the role of this variant in disease. Therefore, it has been classified as a Variant of Uncertain Significance.